The following is an entry in ClinVar:

NM_000094.4(COL7A1):c.7344+1G>A

Gene: COL7A1 (collagen type VII alpha 1 chain; minus strand). Cytogenetic location: 3p21.31.
Variant type: single nucleotide variant.
Coding change: c.7344+1G>A on transcript NM_000094.4 (MANE Select); the canonical splice donor site of the intron after coding-DNA position 7344, G replaced by A.
Molecular consequence: splice donor variant.
Genome position (GRCh38, 1-based): chr3:48,570,638, C>T on the plus strand (G>A on the coding strand, the complement: COL7A1 is on the minus strand). VCF-style: chr3-48570638-C-T. GRCh37 (hg19) VCF-style: chr3-48608071-C-T.
Other names: c.7344+1G>A (NM_000094.3).
Identifiers: ClinVar variation 3589250 (VCV003589250.2).

ClinVar aggregate classification (germline): Likely pathogenic. Review status: criteria provided, multiple submitters, no conflicts (2 of 4 stars). 2 submissions from 2 submitters: Likely pathogenic (2). Last evaluated 2025-09-24.

Conditions:
Nonsyndromic congenital nail disorder 8. Also called: TOENAIL DYSTROPHY, ISOLATED. Identifiers: MedGen C1843761, MONDO:0011852, OMIM 607523.
Recessive dystrophic epidermolysis bullosa (RDEB). Also called: severe generalized recessive dystrophic epidermolysis bullosa; EPIDERMOLYSIS BULLOSA DYSTROPHICA, GENERALIZED SEVERE, AUTOSOMAL RECESSIVE; DYSTROPHIC EPIDERMOLYSIS BULLOSA, AUTOSOMAL RECESSIVE; EPIDERMOLYSIS BULLOSA DYSTROPHICA, HALLOPEAU-SIEMENS TYPE; epidermolysis bullosa dystrophica, autosomal recessive; Recessive DEB (RDEB). Identifiers: Orphanet 79408, Orphanet 79409, MedGen C0079474, MONDO:0009179, OMIM 226600.
Dominant dystrophic epidermolysis bullosa with absence of skin. Also called: EPIDERMOLYSIS BULLOSA WITH CONGENITAL LOCALIZED ABSENCE OF SKIN AND DEFORMITY OF NAILS; EPIDERMOLYSIS BULLOSA DYSTROPHICA, BART TYPE. Identifiers: MedGen C0268371, MONDO:0007557, OMIM 132000.
Generalized dominant dystrophic epidermolysis bullosa (DDEB). Also called: Dominant DEB (DDEB); DDEB, generalized; DDEB-gen; DYSTROPHIC EPIDERMOLYSIS BULLOSA, AUTOSOMAL DOMINANT; Epidermolysis bullosa dystrophica, autosomal dominant. Identifiers: Orphanet 231568, MedGen C0432322, MONDO:0007549, OMIM 131750.
Epidermolysis bullosa pruriginosa. Also called: DEB, PRURIGINOSA; DYSTROPHIC EPIDERMOLYSIS BULLOSA PRURIGINOSA. Identifiers: Orphanet 89843, MedGen C1275114, MONDO:0011398, OMIM 604129.
Transient bullous dermolysis of the newborn (TBDN). Also called: DYSTROPHIC EPIDERMOLYSIS BULLOSA, NEONATAL; EPIDERMOLYSIS BULLOSA DYSTROPHICA, NEONATAL FORM. Identifiers: Orphanet 79411, MedGen C1851573, MONDO:0007548, OMIM 131705.
Pretibial dystrophic epidermolysis bullosa. Also called: Pretibial epidermolysis bullosa; EPIDERMOLYSIS BULLOSA DYSTROPHICA, PRETIBIAL; Pretibial blistering. Identifiers: Orphanet 79410, MedGen C0432321, MONDO:0007552, OMIM 131850, HP:0012221.
Epidermolysis bullosa dystrophica. Also called: Dystrophic epidermolysis bullosa, Hallopeau-Siemens type (formerly); Dystrophic epidermolysis bullosa. Identifiers: Orphanet 303, MedGen C0079294, MONDO:0006543.

Submissions (2):

Natera, Inc.
Classification: Likely pathogenic for Dystrophic epidermolysis bullosa. Last evaluated: 2025-09-24. Review status: criteria provided, single submitter. Criteria: Natera Variant Classification Schema (03/2026). Collection method: clinical testing. Allele origin: germline.
Comment: The c.7344+1G>A variant in COL7A1 is a canonical splice donor site variant predicted to affect pre-mRNA splicing, which may result in an abnormal transcript and altered protein product. This variant is expected to result in nonsense mediated decay, truncation, or a dysfunctional protein product. This variant is rare in the general population with a frequency below the threshold expected for the associated phenotype(s). This variant has been observed in one or more individuals affected with the associated recessive disease, as either homozygous or compound heterozygous with a second variant (PMID: 36385635). Functional studies show that this variant may disrupt protein function (PMID: 36385635). Given the available evidence, this variant is classified as Likely Pathogenic.

Fulgent Genetics
Classification: Likely pathogenic for Transient bullous dermolysis of the newborn; Generalized dominant dystrophic epidermolysis bullosa; Pretibial dystrophic epidermolysis bullosa; Dominant dystrophic epidermolysis bullosa with absence of skin; Recessive dystrophic epidermolysis bullosa; Epidermolysis bullosa pruriginosa; Nonsyndromic congenital nail disorder 8. Last evaluated: 2024-03-13. Review status: criteria provided, single submitter. Criteria: ACMG Guidelines, 2015. Collection method: clinical testing. Allele origin: germline.

Literature cited by the submitters: PubMed 36385635 (cited by Natera, Inc.).